The following is an entry in ClinVar:

NM_000179.3(MSH6):c.4018A>G (p.Ser1340Gly)

Gene: MSH6 (mutS homolog 6; plus strand). Cytogenetic location: 2p16.3.
Variant type: single nucleotide variant.
Coding change: c.4018A>G on transcript NM_000179.3 (MANE Select); coding-DNA position 4018, A replaced by G.
Protein change: p.Ser1340Gly; replaces serine 1340 with glycine.
Molecular consequence: missense variant.
Genome position (GRCh38, 1-based): chr2:47,806,795, A>G. VCF-style: chr2-47806795-A-G. GRCh37 (hg19) VCF-style: chr2-48033934-A-G.
Other names: c.3628A>G, p.Ser1210Gly (NM_001281492.2); c.3112A>G, p.Ser1038Gly (NM_001281493.2, NM_001281494.2); short protein forms S1340G, S1038G, S1210G.
Identifiers: ClinVar variation 619543 (VCV000619543.7), dbSNP rs1558395603, ClinGen allele CA346761651.

ClinVar aggregate classification (germline): Conflicting classifications of pathogenicity. Review status: criteria provided, conflicting classifications (1 of 4 stars). 2 submissions from 2 submitters: Uncertain significance (1); Likely benign (1). Last evaluated 2019-05-02.

Conditions:
Hereditary cancer-predisposing syndrome. Also called: Neoplastic Syndromes, Hereditary; Hereditary neoplastic syndrome; Tumor predisposition; Hereditary Cancer Syndrome. Identifiers: Orphanet 140162, MedGen C0027672, MeSH D009386, MONDO:0015356.
Lynch syndrome. Identifiers: Orphanet 144, MedGen C4552100, MONDO:0005835. Disease mechanism: loss of function.

Submissions (2):

Ambry Genetics
Classification: Uncertain significance for Hereditary cancer-predisposing syndrome. Last evaluated: 2019-05-02. Review status: criteria provided, single submitter. Criteria: Ambry Variant Classification Scheme 2023. Collection method: clinical testing. Allele origin: germline.
Comment: The p.S1340G variant (also known as c.4018A>G), located in coding exon 10 of the MSH6 gene, results from an A to G substitution at nucleotide position 4018. The serine at codon 1340 is replaced by glycine, an amino acid with similar properties. This amino acid position is not well conserved in available vertebrate species. In addition, the in silico prediction for this alteration is inconclusive. In addition, the CoDP in silico tool predicts this alteration to have minor impact on molecular function, with a score of 0.012 (Terui H et al. J. Biomed. Sci. 2013 Apr;20:25). Since supporting evidence is limited at this time, the clinical significance of this alteration remains unclear.

University of Washington Department of Laboratory Medicine, University of Washington
Classification: Likely benign for Lynch syndrome. Last evaluated: 2018-05-01. Review status: criteria provided, single submitter. Criteria: Shirts BH et al. (Am J Hum Genet 2018). Collection method: clinical testing. Allele origin: somatic. Affected: yes.
Comment: MSH6 NM_000179.2:c.4018A>G has a 2.2% probability of pathogenicity based on combining prior probability from public data with a likelihood ratio of 0.20 to 1, generated from evidence of seeing this as a somatic mutation in a tumor without loss of heterozygosity at the MSH6 locus. See Shirts et al 2018, PMID 29887214.